The following is an entry in ClinVar:

ClinVar aggregate classification (germline): Uncertain significance. Review status: criteria provided, multiple submitters, no conflicts (2 of 4 stars). 3 submissions from 3 submitters: Uncertain significance (3). Last evaluated 2025-08-07.

Conditions:
T-cell immunodeficiency, congenital alopecia, and nail dystrophy. Also called: Congenital alopecia and nail dystrophy associated with severe functional T-cell immunodeficiency; Pignata Guarino syndrome. Identifiers: Orphanet 169095, MedGen C1866426, MONDO:0011132, OMIM 601705.
Inborn genetic diseases. Identifiers: MedGen C0950123, MeSH D030342.

Allele frequency attached by ClinVar (database versions not stated): ExAC 0.00002; gnomAD exomes 0.00003; TOPMed 0.00003; 1000 Genomes Project 30x 0.00016; 1000 Genomes Project 0.00020.
gnomAD v4.1: 17 of 1,612,200 alleles (0.0011%); highest among the groups gnomAD compares: East Asian, 0.018%; no homozygotes.

Submissions (3):

Ambry Genetics
Classification: Uncertain significance for Inborn genetic diseases. Last evaluated: 2025-08-07. Review status: criteria provided, single submitter. Criteria: Ambry Variant Classification Scheme 2023. Collection method: clinical testing. Allele origin: germline.

Labcorp Genetics (formerly Invitae), Labcorp
Classification: Uncertain significance for T-cell immunodeficiency, congenital alopecia, and nail dystrophy. Last evaluated: 2024-11-10. Review status: criteria provided, single submitter. Criteria: Invitae Variant Classification Sherloc (09022015). Collection method: clinical testing. Allele origin: germline.
Comment: This sequence change replaces glutamic acid, which is acidic and polar, with lysine, which is basic and polar, at codon 22 of the FOXN1 protein (p.Glu22Lys). This variant is present in population databases (rs545707585, gnomAD 0.03%). This variant has not been reported in the literature in individuals affected with FOXN1-related conditions. ClinVar contains an entry for this variant (Variation ID: 888806). An algorithm developed to predict the effect of missense changes on protein structure and function (PolyPhen-2) suggests that this variant is likely to be disruptive. In summary, the available evidence is currently insufficient to determine the role of this variant in disease. Therefore, it has been classified as a Variant of Uncertain Significance.

Illumina Laboratory Services, Illumina
Classification: Uncertain significance for T-cell immunodeficiency, congenital alopecia, and nail dystrophy. Last evaluated: 2018-01-15. Review status: criteria provided, single submitter. Criteria: ICSL Variant Classification Criteria 13 December 2019. Collection method: clinical testing. Allele origin: germline.

NM_001369369.1(FOXN1):c.64G>A (p.Glu22Lys)

Gene: FOXN1 (forkhead box N1; plus strand). Cytogenetic location: 17q11.2.
Variant type: single nucleotide variant.
Coding change: c.64G>A on transcript NM_001369369.1 (MANE Select); coding-DNA position 64, G replaced by A.
Protein change: p.Glu22Lys; replaces glutamic acid 22 with lysine.
Molecular consequence: missense variant.
Genome position (GRCh38, 1-based): chr17:28,524,033, G>A. VCF-style: chr17-28524033-G-A. GRCh37 (hg19) VCF-style: chr17-26851051-G-A.
Other names: c.64G>A, p.Glu22Lys (NM_003593.3); short protein forms E22K.
Identifiers: ClinVar variation 888806 (VCV000888806.7), dbSNP rs545707585, ClinGen allele CA8459129.